The following is an entry in ClinVar:

ClinVar aggregate classification (germline): Uncertain significance (1 of 4 stars; one submission).

Submission:

GeneDx
Classification: Uncertain significance. Last evaluated: 2022-06-02. Review status: criteria provided, single submitter. Criteria: GeneDx Variant Classification Process June 2021. Collection method: clinical testing. Allele origin: germline. Affected: yes.
Comment: Not observed at significant frequency in large population cohorts (gnomAD); Canonical splice site variant in a gene or region of a gene for which loss of function is not a well-established mechanism of disease; Has not been previously published as pathogenic or benign to our knowledge

NM_001035.3(RYR2):c.1962-1_1962delinsCA

Gene: RYR2 (ryanodine receptor 2; plus strand). Cytogenetic location: 1q43.
Variant type: Indel.
Coding change: c.1962-1_1962delinsCA on transcript NM_001035.3 (MANE Select); the canonical splice acceptor site of the intron before coding-DNA position 1962 through coding-DNA position 1962, GC replaced by CA.
Molecular consequence: splice acceptor variant.
Genome position (GRCh38, 1-based): chr1:237,496,510-237,496,511, GC replaced by CA. VCF-style: chr1-237496510-GC-CA. GRCh37 (hg19) VCF-style: chr1-237659810-GC-CA.
Identifiers: ClinVar variation 1802046 (VCV001802046.1), dbSNP rs2545834650, ClinGen allele CA2580062435.